The following is an entry in ClinVar:

NM_007194.4(CHEK2):c.1376-7_1376-4del

Gene: CHEK2 (checkpoint kinase 2; minus strand). Cytogenetic location: 22q12.1.
Variant type: Deletion.
Coding change: c.1376-7_1376-4del on transcript NM_007194.4 (MANE Select); 7 bases into the intron before coding-DNA position 1376 through 4 bases into the intron before coding-DNA position 1376, 4 bases deleted (GCTT; older notation c.1376-7_1376-4delGCTT).
Molecular consequence: intron variant.
Genome position (GRCh38, 1-based): chr22:28,694,121-28,694,124, AAGC deleted on the plus strand (GCTT on the coding strand, the reverse complement: CHEK2 is on the minus strand); deleting any 4 consecutive bases within chr22:28,694,121-28,694,126 gives the same sequence; the c. name uses the placement nearest the transcript's 3' end. VCF-style (leftmost placement, unchanged base first): chr22-28694120-AAAGC-A. GRCh37 (hg19) VCF-style: chr22-29090108-AAAGC-A.
Other names: c.713-7_713-4del (NM_001437942.1, NM_001257387.3); c.1175-7_1175-4del (NM_001349956.3); c.1289-7_1289-4del (NM_145862.3); c.1382-7_1382-4del (NM_001438295.1); c.1469-7_1469-4del (NM_001438293.1); c.1418-7_1418-4del (NM_001438294.1); c.1505-7_1505-4del (NM_001005735.3); c.1376-7_1376-4del (NM_007194.3).
Identifiers: ClinVar variation 2775063 (VCV002775063.2), dbSNP rs2517788870, ClinGen allele CA2697552632.

ClinVar aggregate classification (germline): Uncertain significance. Review status: criteria provided, multiple submitters, no conflicts (2 of 4 stars). 2 submissions from 2 submitters: Uncertain significance (2). Last evaluated 2025-07-16.

Conditions:
Hereditary cancer-predisposing syndrome. Also called: Neoplastic Syndromes, Hereditary; Tumor predisposition; Hereditary Cancer Syndrome; Hereditary neoplastic syndrome. Identifiers: Orphanet 140162, MedGen C0027672, MeSH D009386, MONDO:0015356.

Submissions (2):

Quest Diagnostics Nichols Institute San Juan Capistrano
Classification: Uncertain significance. Last evaluated: 2025-07-16. Review status: criteria provided, single submitter. Criteria: Quest Diagnostics criteria. Collection method: clinical testing. Allele origin: unknown.
Comment: The CHEK2 c.1376-7_1376-4del variant has not been reported in individuals with CHEK2-related conditions in the published literature. It also has not been reported in large, multi-ethnic general populations (Genome Aggregation Database). Analysis of this variant using software algorithms for the prediction of the effect of nucleotide changes on splicing yielded predictions that this variant may affect proper CHEK2 mRNA splicing. Based on the available information, we are unable to determine the clinical significance of this variant.

Color Diagnostics, LLC DBA Color Health
Classification: Uncertain significance for Hereditary cancer-predisposing syndrome. Last evaluated: 2023-02-16. Review status: criteria provided, single submitter. Criteria: ACMG Guidelines, 2015. Collection method: clinical testing. Allele origin: germline.
Comment: This variant causes a four nucleotide deletion in intron 12 of the CHEK2 gene. Splice site prediction tools are inconclusive regarding the impact of this variant on RNA splicing. To our knowledge, functional studies have not been reported for this variant. This variant has not been reported in individuals affected with CHEK2-related disorders in the literature. This variant has not been identified in the general population by the Genome Aggregation Database (gnomAD). The available evidence is insufficient to determine the role of this variant in disease conclusively. Therefore, this variant is classified as a Variant of Uncertain Significance.